The following is an entry in ClinVar:

NM_000038.6(APC):c.1256C>T (p.Thr419Ile)

Gene: APC (APC regulator of Wnt signaling pathway; plus strand). Cytogenetic location: 5q22.2.
Variant type: single nucleotide variant.
Coding change: c.1256C>T on transcript NM_000038.6 (MANE Select); coding-DNA position 1256, C replaced by T.
Protein change: p.Thr419Ile; replaces threonine 419 with isoleucine.
Molecular consequence: missense variant.
Genome position (GRCh38, 1-based): chr5:112,819,288, C>T. VCF-style: chr5-112819288-C-T. GRCh37 (hg19) VCF-style: chr5-112154985-C-T.
Other names: c.1256C>T, p.Thr419Ile (NM_001127510.3, NM_001354895.2, NM_001354896.2 and 4 more transcripts); c.1202C>T, p.Thr401Ile (NM_001127511.3); c.1286C>T, p.Thr429Ile (NM_001354897.2, NM_001407446.1); c.1181C>T, p.Thr394Ile (NM_001354898.2, NM_001407451.1); c.1172C>T, p.Thr391Ile (NM_001354899.2, NM_001407452.1); c.1079C>T, p.Thr360Ile (NM_001354900.2, NM_001354901.2, NM_001407453.1); c.983C>T, p.Thr328Ile (NM_001354902.2); c.953C>T, p.Thr318Ile (NM_001354903.2, NM_001407454.1, NM_001407455.1 and 5 more transcripts); and 5 more; short protein forms T259I, T328I, T35I, T401I, T318I, T391I, T394I, T136I.
Identifiers: ClinVar variation 1761904 (VCV001761904.2), dbSNP rs2149783332, ClinGen allele CA16024053.

ClinVar aggregate classification (germline): Uncertain significance (1 of 4 stars; one submission).

Conditions:
Hereditary cancer-predisposing syndrome. Also called: Neoplastic Syndromes, Hereditary; Tumor predisposition; Hereditary Cancer Syndrome; Hereditary neoplastic syndrome. Identifiers: Orphanet 140162, MedGen C0027672, MeSH D009386, MONDO:0015356.

Submission:

Ambry Genetics
Classification: Uncertain significance for Hereditary cancer-predisposing syndrome. Last evaluated: 2022-10-18. Review status: criteria provided, single submitter. Criteria: Ambry Variant Classification Scheme 2023. Collection method: clinical testing. Allele origin: germline.
Comment: The p.T419I variant (also known as c.1256C>T), located in coding exon 9 of the APC gene, results from a C to T substitution at nucleotide position 1256. The threonine at codon 419 is replaced by isoleucine, an amino acid with similar properties. This amino acid position is well conserved in available vertebrate species. In addition, in silico predictors for this gene do not accurately predict pathogenicity. Since supporting evidence is limited at this time, the clinical significance of this alteration remains unclear.